The following is an entry in ClinVar:

ClinVar aggregate classification (germline): Uncertain significance (1 of 4 stars; one submission).

Allele frequency attached by ClinVar (database versions not stated): gnomAD exomes below 0.00001; gnomAD 0.00003; TOPMed 0.00003.
gnomAD v4.1: 7 of 1,614,024 alleles (0.00043%); highest among the groups gnomAD compares: Non-Finnish European, 0.00051%; no homozygotes.

Submission:

Labcorp Genetics (formerly Invitae), Labcorp
Classification: Uncertain significance. Last evaluated: 2022-04-29. Review status: criteria provided, single submitter. Criteria: Invitae Variant Classification Sherloc (09022015). Collection method: clinical testing. Allele origin: germline.
Comment: In summary, the available evidence is currently insufficient to determine the role of this variant in disease. Therefore, it has been classified as a Variant of Uncertain Significance. Algorithms developed to predict the effect of missense changes on protein structure and function output the following: SIFT: "Tolerated"; PolyPhen-2: "Benign"; Align-GVGD: "Class C0". The alanine amino acid residue is found in multiple mammalian species, which suggests that this missense change does not adversely affect protein function. This variant has not been reported in the literature in individuals affected with KARS-related conditions. This variant is not present in population databases (gnomAD no frequency). This sequence change replaces glutamic acid, which is acidic and polar, with alanine, which is neutral and non-polar, at codon 288 of the KARS protein (p.Glu288Ala).

NM_005548.3(KARS1):c.779A>C (p.Glu260Ala)

Gene: KARS1 (lysyl-tRNA synthetase 1; minus strand). Cytogenetic location: 16q23.1.
Variant type: single nucleotide variant.
Coding change: c.779A>C on transcript NM_005548.3 (MANE Select); coding-DNA position 779, A replaced by C.
Protein change: p.Glu260Ala; replaces glutamic acid 260 with alanine.
Molecular consequence: missense variant.
Genome position (GRCh38, 1-based): chr16:75,635,696, T>G on the plus strand (A>C on the coding strand, the complement: KARS1 is on the minus strand). VCF-style: chr16-75635696-T-G. GRCh37 (hg19) VCF-style: chr16-75669594-T-G.
Other names: c.863A>C, p.Glu288Ala (NM_001130089.2); c.311A>C, p.Glu104Ala (NM_001378148.1); short protein forms E104A, E260A, E288A.
Identifiers: ClinVar variation 1682435 (VCV001682435.6), dbSNP rs899035673, ClinGen allele CA284322160.